The following is an entry in ClinVar:

NM_000489.6(ATRX):c.1322_1324del (p.Thr441del)

Gene: ATRX (ATRX chromatin remodeler; minus strand). Cytogenetic location: Xq21.1.
Variant type: Deletion.
Coding change: c.1322_1324del on transcript NM_000489.6 (MANE Select); coding-DNA positions 1322 to 1324, 3 bases deleted (CAA; older notation c.1322_1324delCAA).
Protein change: p.Thr441del; deletes threonine 441.
Molecular consequence: inframe deletion.
Genome position (GRCh38, 1-based): chrX:77,683,932-77,683,934, TTG deleted on the plus strand (CAA on the coding strand, the reverse complement: ATRX is on the minus strand); deleting any 3 consecutive bases within chrX:77,683,932-77,683,936 gives the same sequence; the c. name uses the placement nearest the transcript's 3' end. VCF-style (leftmost placement, unchanged base first): chrX-77683931-TTTG-T. GRCh37 (hg19) VCF-style: chrX-76939423-TTTG-T.
Other names: c.1208_1210del, p.Thr403del (NM_138270.5); short protein forms T441del, T403del.
Identifiers: ClinVar variation 565921 (VCV000565921.10), dbSNP rs1569539303, ClinGen allele CA891844095.

ClinVar aggregate classification (germline): Uncertain significance. Review status: criteria provided, single submitter (1 of 4 stars). 2 submissions from 2 submitters: Uncertain significance (1). 1 of the submissions does not count toward it. Last evaluated 2021-08-31.

Conditions:
Alpha thalassemia-X-linked intellectual disability syndrome (ATRX). Also called: ALPHA-THALASSEMIA/MENTAL RETARDATION SYNDROME, X-LINKED; ATR, NONDELETION TYPE; ALPHA-THALASSEMIA/IMPAIRED INTELLECTUAL DEVELOPMENT SYNDROME, X-LINKED; X-linked alpha-thalassemia-mental retardation syndrome; ATR-X syndrome; Alpha thalassemia mental retardation syndrome, nondeletion type, X-linked. Identifiers: Orphanet 847, MedGen C1845055, MONDO:0010519, OMIM 301040.

Submissions (2):

Labcorp Genetics (formerly Invitae), Labcorp
Classification: Uncertain significance for Alpha thalassemia-X-linked intellectual disability syndrome. Last evaluated: 2021-08-31. Review status: criteria provided, single submitter. Criteria: Invitae Variant Classification Sherloc (09022015). Collection method: clinical testing. Allele origin: germline.
Comment: This variant, c.1322_1324del, results in the deletion of 1 amino acid(s) of the ATRX protein (p.Thr441del), but otherwise preserves the integrity of the reading frame. This variant is not present in population databases (ExAC no frequency). This variant has not been reported in the literature in individuals affected with ATRX-related conditions. Experimental studies and prediction algorithms are not available or were not evaluated, and the functional significance of this variant is currently unknown. In summary, the available evidence is currently insufficient to determine the role of this variant in disease. Therefore, it has been classified as a Variant of Uncertain Significance.

Natera, Inc.
Classification: Uncertain significance for X-linked alpha-thalassemia-mental retardation syndrome. Last evaluated: 2021-08-23. Review status: no assertion criteria provided. Collection method: clinical testing. Allele origin: germline. Not counted in ClinVar's aggregate classification.